The following is an entry in ClinVar:

NM_001004334.4(GPR179):c.1105G>A (p.Ala369Thr)

Gene: GPR179 (G protein-coupled receptor 179; minus strand). Cytogenetic location: 17q12.
Variant type: single nucleotide variant.
Coding change: c.1105G>A on transcript NM_001004334.4 (MANE Select); coding-DNA position 1105, G replaced by A.
Protein change: p.Ala369Thr; replaces alanine 369 with threonine.
Molecular consequence: missense variant.
Genome position (GRCh38, 1-based): chr17:38,337,100, C>T on the plus strand (G>A on the coding strand, the complement: GPR179 is on the minus strand). VCF-style: chr17-38337100-C-T. GRCh37 (hg19) VCF-style: chr17-36492983-C-T.
Other names: short protein forms A369T.
Identifiers: ClinVar variation 1938251 (VCV001938251.5), dbSNP rs2037411663, ClinGen allele CA398887768.

ClinVar aggregate classification (germline): Uncertain significance (1 of 4 stars; one submission).

Allele frequency attached by ClinVar (database versions not stated): TOPMed below 0.00001.

Submission:

Labcorp Genetics (formerly Invitae), Labcorp
Classification: Uncertain significance. Last evaluated: 2022-03-31. Review status: criteria provided, single submitter. Criteria: Invitae Variant Classification Sherloc (09022015). Collection method: clinical testing. Allele origin: germline.
Comment: This sequence change replaces alanine, which is neutral and non-polar, with threonine, which is neutral and polar, at codon 369 of the GPR179 protein (p.Ala369Thr). This variant is not present in population databases (gnomAD no frequency). This variant has not been reported in the literature in individuals affected with GPR179-related conditions. Algorithms developed to predict the effect of missense changes on protein structure and function are either unavailable or do not agree on the potential impact of this missense change (SIFT: "Deleterious"; PolyPhen-2: "Benign"; Align-GVGD: "Class C0"). In summary, the available evidence is currently insufficient to determine the role of this variant in disease. Therefore, it has been classified as a Variant of Uncertain Significance.